The following is an entry in ClinVar:

NM_000138.5(FBN1):c.1933_1934delinsTA (p.Val645Ter)

Gene: FBN1 (fibrillin 1; minus strand). Cytogenetic location: 15q21.1.
Variant type: Indel.
Coding change: c.1933_1934delinsTA on transcript NM_000138.5 (MANE Select); coding-DNA positions 1933 to 1934, GT replaced by TA.
Protein change: p.Val645Ter; replaces valine 645 with a stop codon.
Molecular consequence: nonsense.
Genome position (GRCh38, 1-based): chr15:48,505,051-48,505,052, AC replaced by TA on the plus strand (GT replaced by TA on the coding strand, the reverse complement: FBN1 is on the minus strand). VCF-style: chr15-48505051-AC-TA. GRCh37 (hg19) VCF-style: chr15-48797248-AC-TA.
Other names: c.1933_1934delinsTA, p.Val645Ter (NM_001406716.1); short protein forms V645*.
Identifiers: ClinVar variation 4851799 (VCV004851799.1).

ClinVar aggregate classification (germline): Likely pathogenic (1 of 4 stars; one submission).

Submission:

Dasa
Classification: Likely pathogenic. Last evaluated: 2025-12-22. Review status: criteria provided, single submitter. Criteria: DASA Assertion Criteria. Collection method: clinical testing. Allele origin: germline.
Comment: NM_000138.5(FBN1):c.1933_1934delinsTA (p.Val645*) introduces a premature termination codon predicted to result in loss of normal protein function. Loss-of-function is an established mechanism of disease for this gene. The variant is present at low frequency in population datasets. Based on the available data, this variant is classified as likely pathogenic.